The following is an entry in ClinVar:

ClinVar aggregate classification (germline): Pathogenic (1 of 4 stars; one submission).

Submission:

Labcorp Genetics (formerly Invitae), Labcorp
Classification: Pathogenic. Last evaluated: 2025-04-08. Review status: criteria provided, single submitter. Criteria: Invitae Variant Classification Sherloc (09022015). Collection method: clinical testing. Allele origin: germline.
Comment: This sequence change creates a premature translational stop signal (p.Pro158Argfs*292) in the TPRN gene. It is expected to result in an absent or disrupted protein product. Loss-of-function variants in TPRN are known to be pathogenic (PMID: 20170898, 20170899). The frequency data for this variant in the population databases is considered unreliable, as metrics indicate insufficient coverage at this position in the gnomAD database. This variant has not been reported in the literature in individuals affected with TPRN-related conditions. For these reasons, this variant has been classified as Pathogenic.

Literature cited by the submitters: PubMed 20170898; PubMed 20170899.

NM_001128228.3(TPRN):c.473del (p.Pro158fs)

Gene: TPRN (taperin; minus strand). Cytogenetic location: 9q34.3.
Variant type: Deletion.
Coding change: c.473del on transcript NM_001128228.3 (MANE Select); coding-DNA position 473, one base deleted (C; older notation c.473delC).
Protein change: p.Pro158fs; shifts the reading frame from proline 158.
Molecular consequence: frameshift variant.
Genome position (GRCh38, 1-based): chr9:137,200,239, G deleted on the plus strand (C on the coding strand, the reverse complement: TPRN is on the minus strand); the first of 6 consecutive G bases (chr9:137,200,239-137,200,244); deleting any one gives the same sequence. VCF-style (leftmost placement, unchanged base first): chr9-137200238-CG-C. GRCh37 (hg19) VCF-style: chr9-140094690-CG-C.
Other names: short protein forms P158fs.
Identifiers: ClinVar variation 4766672 (VCV004766672.1).